The following is an entry in ClinVar:

NM_052947.4(ALPK2):c.2294G>T (p.Arg765Leu)

Gene: ALPK2 (alpha kinase 2; minus strand). Cytogenetic location: 18q21.31.
Variant type: single nucleotide variant.
Coding change: c.2294G>T on transcript NM_052947.4 (MANE Select); coding-DNA position 2294, G replaced by T.
Protein change: p.Arg765Leu; replaces arginine 765 with leucine.
Molecular consequence: missense variant.
Genome position (GRCh38, 1-based): chr18:58,537,893, C>A on the plus strand (G>T on the coding strand, the complement: ALPK2 is on the minus strand). VCF-style: chr18-58537893-C-A. GRCh37 (hg19) VCF-style: chr18-56205125-C-A.
Other names: short protein forms R765L.
Identifiers: ClinVar variation 1789152 (VCV001789152.2), dbSNP rs535244429, ClinGen allele CA402571071.

ClinVar aggregate classification (germline): Uncertain significance (1 of 4 stars; one submission).

Submission:

Ambry Genetics
Classification: Uncertain significance. Last evaluated: 2022-05-07. Review status: criteria provided, single submitter. Criteria: Ambry Variant Classification Scheme 2023. Collection method: clinical testing. Allele origin: germline.
Comment: The p.R765L variant (also known as c.2294G>T), located in coding exon 4 of the ALPK2 gene, results from a G to T substitution at nucleotide position 2294. The arginine at codon 765 is replaced by leucine, an amino acid with dissimilar properties. This amino acid position is conserved. In addition, this alteration is predicted to be tolerated by in silico analysis. Since supporting evidence is limited at this time, the clinical significance of this alteration remains unclear.